The following is an entry in ClinVar:

NM_206933.4(USH2A):c.12743_12747del (p.His4248fs)

Gene: USH2A (usherin; minus strand). Cytogenetic location: 1q41.
Variant type: Deletion.
Coding change: c.12743_12747del on transcript NM_206933.4 (MANE Select); coding-DNA positions 12743 to 12747, 5 bases deleted (ATACC; older notation c.12743_12747delATACC).
Protein change: p.His4248fs; shifts the reading frame from histidine 4248.
Molecular consequence: frameshift variant.
Genome position (GRCh38, 1-based): chr1:215,675,164-215,675,168, GGTAT deleted on the plus strand (ATACC on the coding strand, the reverse complement: USH2A is on the minus strand); deleting any 5 consecutive bases within chr1:215,675,164-215,675,169 gives the same sequence; the c. name uses the placement nearest the transcript's 3' end. VCF-style (leftmost placement, unchanged base first): chr1-215675163-AGGTAT-A. GRCh37 (hg19) VCF-style: chr1-215848505-AGGTAT-A.
Other names: short protein forms H4248fs.
Identifiers: ClinVar variation 2126587 (VCV002126587.4), dbSNP rs2464898633, ClinGen allele CA2580062254.

ClinVar aggregate classification (germline): Pathogenic (1 of 4 stars; one submission).

Submission:

Labcorp Genetics (formerly Invitae), Labcorp
Classification: Pathogenic. Last evaluated: 2022-04-15. Review status: criteria provided, single submitter. Criteria: Invitae Variant Classification Sherloc (09022015). Collection method: clinical testing. Allele origin: germline.
Comment: This sequence change creates a premature translational stop signal (p.His4248Leufs*2) in the USH2A gene. It is expected to result in an absent or disrupted protein product. Loss-of-function variants in USH2A are known to be pathogenic (PMID: 10729113, 10909849, 20507924, 25649381). This variant is not present in population databases (gnomAD no frequency). This variant has not been reported in the literature in individuals affected with USH2A-related conditions. For these reasons, this variant has been classified as Pathogenic.

Literature cited by the submitters: PubMed 10729113; PubMed 10909849; PubMed 20507924; PubMed 25649381.